The following is an entry in ClinVar:

ClinVar aggregate classification (germline): Uncertain significance (1 of 4 stars; one submission).

Conditions:
Inflammatory bowel disease 28. Also called: Inflammatory bowel disease 28, early onset, autosomal recessive. Identifiers: Orphanet 238569, MedGen C2751053, MONDO:0013153, OMIM 613148.

Allele frequency attached by ClinVar (database versions not stated): gnomAD 0.00001; TOPMed 0.00001.
gnomAD v4.1: 11 of 1,613,938 alleles (0.00068%); highest among the groups gnomAD compares: Middle Eastern, 0.016%; no homozygotes.

Submission:

Labcorp Genetics (formerly Invitae), Labcorp
Classification: Uncertain significance for Inflammatory bowel disease 28. Last evaluated: 2021-08-26. Review status: criteria provided, single submitter. Criteria: Invitae Variant Classification Sherloc (09022015). Collection method: clinical testing. Allele origin: germline.
Comment: This sequence change replaces leucine with methionine at codon 62 of the IL10RA protein (p.Leu62Met). The leucine residue is moderately conserved and there is a small physicochemical difference between leucine and methionine. This variant is not present in population databases (ExAC no frequency). This variant has not been reported in the literature in individuals affected with IL10RA-related conditions. Algorithms developed to predict the effect of missense changes on protein structure and function output the following: SIFT: "Tolerated"; PolyPhen-2: "Benign"; Align-GVGD: "Class C0". The methionine amino acid residue is found in multiple mammalian species, which suggests that this missense change does not adversely affect protein function. In summary, the available evidence is currently insufficient to determine the role of this variant in disease. Therefore, it has been classified as a Variant of Uncertain Significance.

NM_001558.4(IL10RA):c.184C>A (p.Leu62Met)

Gene: IL10RA (interleukin 10 receptor subunit alpha; plus strand). Cytogenetic location: 11q23.3.
Variant type: single nucleotide variant.
Coding change: c.184C>A on transcript NM_001558.4 (MANE Select); coding-DNA position 184, C replaced by A.
Protein change: p.Leu62Met; replaces leucine 62 with methionine.
Molecular consequence: missense variant. On other transcripts: non-coding transcript variant (1).
Genome position (GRCh38, 1-based): chr11:117,988,498, C>A. VCF-style: chr11-117988498-C-A. GRCh37 (hg19) VCF-style: chr11-117859213-C-A.
Other names: short protein forms L62M.
Identifiers: ClinVar variation 1401583 (VCV001401583.3), dbSNP rs1446614429, ClinGen allele CA382773002.